The following is an entry in ClinVar:

ClinVar aggregate classification (germline): Uncertain significance (1 of 4 stars; one submission).

Conditions:
Nephronophthisis. Also called: Juvenile Nephronophthisis. Identifiers: Orphanet 655, MedGen C0687120, MONDO:0019005, HP:0000090.

Submission:

Labcorp Genetics (formerly Invitae), Labcorp
Classification: Uncertain significance for Nephronophthisis. Last evaluated: 2024-02-24. Review status: criteria provided, single submitter. Criteria: Invitae Variant Classification Sherloc (09022015). Collection method: clinical testing. Allele origin: germline.
Comment: This sequence change replaces glutamine, which is neutral and polar, with histidine, which is basic and polar, at codon 201 of the NPHP3 protein (p.Gln201His). This variant is not present in population databases (gnomAD no frequency). This variant has not been reported in the literature in individuals affected with NPHP3-related conditions. ClinVar contains an entry for this variant (Variation ID: 1488271). Advanced modeling of protein sequence and biophysical properties (such as structural, functional, and spatial information, amino acid conservation, physicochemical variation, residue mobility, and thermodynamic stability) performed at Invitae indicates that this missense variant is not expected to disrupt NPHP3 protein function with a negative predictive value of 80%. In summary, the available evidence is currently insufficient to determine the role of this variant in disease. Therefore, it has been classified as a Variant of Uncertain Significance.

NM_153240.5(NPHP3):c.603G>C (p.Gln201His)

Genes: NPHP3 (nephrocystin 3; minus strand), NPHP3-ACAD11 (NPHP3-ACAD11 readthrough (NMD candidate); minus strand). Cytogenetic location: 3q22.1.
Variant type: single nucleotide variant.
Coding change: c.603G>C on transcript NM_153240.5 (MANE Select); coding-DNA position 603, G replaced by C.
Protein change: p.Gln201His; replaces glutamine 201 with histidine.
Molecular consequence: missense variant. On other transcripts: non-coding transcript variant (1).
Genome position (GRCh38, 1-based): chr3:132,719,061, C>G on the plus strand (G>C on the coding strand, the complement: NPHP3 is on the minus strand). VCF-style: chr3-132719061-C-G. GRCh37 (hg19) VCF-style: chr3-132437905-C-G.
Other names: short protein forms Q201H.
Identifiers: ClinVar variation 1488271 (VCV001488271.5), dbSNP rs2108002802, ClinGen allele CA354587116.